The following is an entry in ClinVar:

ClinVar aggregate classification (germline): Conflicting classifications of pathogenicity. Review status: criteria provided, conflicting classifications (1 of 4 stars). 6 submissions from 6 submitters: Uncertain significance (5); Likely benign (1). Last evaluated 2026-05-15.

Conditions:
Febrile seizures, familial, 4 (FEB4). Also called: CONVULSIONS, FAMILIAL FEBRILE, 4. Identifiers: MedGen C1858493, MONDO:0011443, OMIM 604352.
Usher syndrome type 2C. Also called: Usher syndrome, type 2B; USHER SYNDROME, TYPE IIC. Identifiers: Orphanet 231178, Orphanet 886, MedGen C2931213, MONDO:0011558, OMIM 605472.
ADGRV1-related disorder. Also called: ADGRV1-related disorders; ADGRV1-related condition.
Inborn genetic diseases. Identifiers: MedGen C0950123, MeSH D030342.

Allele frequency attached by ClinVar (database versions not stated): ExAC 0.00003; gnomAD exomes 0.00003 and 0.00007; gnomAD 0.00004; TOPMed 0.00005.
gnomAD v4.1: 98 of 1,589,514 alleles (0.0062%); highest among the groups gnomAD compares: East Asian, 0.02%; no homozygotes.

Submissions (6):

PreventionGenetics, part of Exact Sciences
Classification: Uncertain significance for ADGRV1-related condition. Last evaluated: 2026-05-15. Review status: criteria provided, single submitter. Criteria: ACMG Guidelines, 2015. Collection method: clinical testing. Allele origin: germline.
Comment: The ADGRV1 c.3431G>A variant is predicted to result in the amino acid substitution p.Arg1144Gln. To our knowledge, this variant has not been reported in the literature. This variant is reported in 0.010% of alleles in individuals of East Asian descent in gnomAD. At this time, the clinical significance of this variant is uncertain due to the absence of conclusive functional and genetic evidence.

Labcorp Genetics (formerly Invitae), Labcorp
Classification: Likely benign. Last evaluated: 2026-01-26. Review status: criteria provided, single submitter. Criteria: Invitae Variant Classification Sherloc (09022015). Collection method: clinical testing. Allele origin: germline.

Ambry Genetics
Classification: Uncertain significance for Inborn genetic diseases. Last evaluated: 2025-07-12. Review status: criteria provided, single submitter. Criteria: Ambry Variant Classification Scheme 2023. Collection method: clinical testing. Allele origin: germline.

Blueprint Genetics
Classification: Uncertain significance. Last evaluated: 2023-11-16. Review status: criteria provided, single submitter. Criteria: ACMG Guidelines, 2015. Collection method: clinical testing. Allele origin: germline.

Fulgent Genetics
Classification: Uncertain significance for Febrile seizures, familial, 4; Usher syndrome type 2C. Last evaluated: 2021-12-14. Review status: criteria provided, single submitter. Criteria: ACMG Guidelines, 2015. Collection method: clinical testing. Allele origin: unknown.

GeneDx
Classification: Uncertain significance. Last evaluated: 2019-05-14. Review status: criteria provided, single submitter. Criteria: GeneDx Variant Classification Process June 2021. Collection method: clinical testing. Allele origin: germline. Affected: yes.
Comment: In silico analysis, which includes protein predictors and evolutionary conservation, supports that this variant does not alter protein structure/function

NM_032119.4(ADGRV1):c.3431G>A (p.Arg1144Gln)

Gene: ADGRV1 (adhesion G protein-coupled receptor V1; plus strand). Cytogenetic location: 5q14.3.
Variant type: single nucleotide variant.
Coding change: c.3431G>A on transcript NM_032119.4 (MANE Select); coding-DNA position 3431, G replaced by A.
Protein change: p.Arg1144Gln; replaces arginine 1144 with glutamine.
Molecular consequence: missense variant. On other transcripts: non-coding transcript variant (1).
Genome position (GRCh38, 1-based): chr5:90,652,360, G>A. VCF-style: chr5-90652360-G-A. GRCh37 (hg19) VCF-style: chr5-89948177-G-A.
Other names: short protein forms R1144Q.
Identifiers: ClinVar variation 954750 (VCV000954750.16), dbSNP rs199735068, ClinGen allele CA3339186.